The following is an entry in ClinVar:

ClinVar aggregate classification (germline): Uncertain significance (1 of 4 stars; one submission).

Allele frequency attached by ClinVar (database versions not stated): gnomAD exomes below 0.00001; TOPMed below 0.00001.

Submission:

Labcorp Genetics (formerly Invitae), Labcorp
Classification: Uncertain significance. Last evaluated: 2021-11-23. Review status: criteria provided, single submitter. Criteria: Invitae Variant Classification Sherloc (09022015). Collection method: clinical testing. Allele origin: germline.
Comment: This sequence change replaces isoleucine, which is neutral and non-polar, with leucine, which is neutral and non-polar, at codon 397 of the NPHS1 protein (p.Ile397Leu). This variant is not present in population databases (gnomAD no frequency). This variant has not been reported in the literature in individuals affected with NPHS1-related conditions. Advanced modeling of protein sequence and biophysical properties (such as structural, functional, and spatial information, amino acid conservation, physicochemical variation, residue mobility, and thermodynamic stability) performed at Invitae indicates that this missense variant is not expected to disrupt NPHS1 protein function. In summary, the available evidence is currently insufficient to determine the role of this variant in disease. Therefore, it has been classified as a Variant of Uncertain Significance.

NM_004646.4(NPHS1):c.1189A>C (p.Ile397Leu)

Gene: NPHS1 (NPHS1 adhesion molecule, nephrin; minus strand). Cytogenetic location: 19q13.12.
Variant type: single nucleotide variant.
Coding change: c.1189A>C on transcript NM_004646.4 (MANE Select); coding-DNA position 1189, A replaced by C.
Protein change: p.Ile397Leu; replaces isoleucine 397 with leucine.
Molecular consequence: missense variant.
Genome position (GRCh38, 1-based): chr19:35,848,379, T>G on the plus strand (A>C on the coding strand, the complement: NPHS1 is on the minus strand). VCF-style: chr19-35848379-T-G. GRCh37 (hg19) VCF-style: chr19-36339281-T-G.
Other names: short protein forms I397L.
Identifiers: ClinVar variation 1401486 (VCV001401486.3), dbSNP rs1973175925, ClinGen allele CA405405855.